The following is an entry in ClinVar:

NM_001458.5(FLNC):c.1484C>G (p.Ala495Gly)

Gene: FLNC (filamin C; plus strand). Cytogenetic location: 7q32.1.
Variant type: single nucleotide variant.
Coding change: c.1484C>G on transcript NM_001458.5 (MANE Select); coding-DNA position 1484, C replaced by G.
Protein change: p.Ala495Gly; replaces alanine 495 with glycine.
Molecular consequence: missense variant.
Genome position (GRCh38, 1-based): chr7:128,840,095, C>G. VCF-style: chr7-128840095-C-G. GRCh37 (hg19) VCF-style: chr7-128480149-C-G.
Other names: c.1484C>G, p.Ala495Gly (NM_001127487.2); short protein forms A495G.
Identifiers: ClinVar variation 2059184 (VCV002059184.4), dbSNP rs2536624801, ClinGen allele CA369225681.
Genomic context (GRCh38, chr7:128,840,095, plus strand): 5'-ACGCCTGCCGCGCCTCTGGGCGAGGCCTGCAGCCCAAGGGTGTTCGCGTGAAAGAGGTGG[C>G]TGACTTCAAGGTGTTTACCAAGGGTGCCGGCAGCGGGGAGCTCAAGGTCACGGTCAAGGG-3'
Protein context (NP_001449.3, residues 485-505): QPKGVRVKEV[Ala495Gly]DFKVFTKGAG

ClinVar aggregate classification (germline): Uncertain significance (1 of 4 stars; one submission).

Conditions:
Myofibrillar myopathy 5. Also called: Filaminopathy (type); FILAMINOPATHY, AUTOSOMAL DOMINANT. Identifiers: Orphanet 171445, MedGen C1836050, MONDO:0012289, OMIM 609524.
Hypertrophic cardiomyopathy 26. Also called: Cardiomyopathy, familial hypertrophic, 26. Identifiers: Orphanet 75249, MedGen C4310749, MONDO:0014883, OMIM 617047.
Distal myopathy with posterior leg and anterior hand involvement. Also called: WILLIAMS DISTAL MYOPATHY. Identifiers: Orphanet 63273, MedGen C3279722, MONDO:0013550, OMIM 614065.

Submission:

Labcorp Genetics (formerly Invitae), Labcorp
Classification: Uncertain significance for Distal myopathy with posterior leg and anterior hand involvement; Myofibrillar myopathy 5; Hypertrophic cardiomyopathy 26. Last evaluated: 2023-11-27. Review status: criteria provided, single submitter. Criteria: Invitae Variant Classification Sherloc (09022015). Collection method: clinical testing. Allele origin: germline.
Comment: This sequence change replaces alanine, which is neutral and non-polar, with glycine, which is neutral and non-polar, at codon 495 of the FLNC protein (p.Ala495Gly). This variant is not present in population databases (gnomAD no frequency). This variant has not been reported in the literature in individuals affected with FLNC-related conditions. ClinVar contains an entry for this variant (Variation ID: 2059184). Advanced modeling of protein sequence and biophysical properties (such as structural, functional, and spatial information, amino acid conservation, physicochemical variation, residue mobility, and thermodynamic stability) has been performed at Invitae for this missense variant, however the output from this modeling did not meet the statistical confidence thresholds required to predict the impact of this variant on FLNC protein function. Algorithms developed to predict the effect of sequence changes on RNA splicing suggest that this variant may disrupt the consensus splice site. In summary, the available evidence is currently insufficient to determine the role of this variant in disease. Therefore, it has been classified as a Variant of Uncertain Significance.